The following is an entry in ClinVar:

NM_001267550.2(TTN):c.105180G>T (p.Glu35060Asp)

Genes: TTN (titin; minus strand), TTN-AS1 (TTN antisense RNA 1; plus strand), LOC129935185 (ATAC-STARR-seq lymphoblastoid active region 16810; plus strand). Cytogenetic location: 2q31.2.
Variant type: single nucleotide variant.
Coding change: c.105180G>T on transcript NM_001267550.2 (MANE Select); coding-DNA position 105180, G replaced by T.
Protein change: p.Glu35060Asp; replaces glutamic acid 35060 with aspartic acid.
Molecular consequence: missense variant.
Genome position (GRCh38, 1-based): chr2:178,531,435, C>A on the plus strand (G>T on the coding strand, the complement: TTN is on the minus strand). VCF-style: chr2-178531435-C-A. GRCh37 (hg19) VCF-style: chr2-179396162-C-A.
Other names: c.100257G>T, p.Glu33419Asp (NM_001256850.1); c.77985G>T, p.Glu25995Asp (NM_003319.4); c.97476G>T, p.Glu32492Asp (NM_133378.4); c.78360G>T, p.Glu26120Asp (NM_133432.3); c.78561G>T, p.Glu26187Asp (NM_133437.4); short protein forms E25995D, E35060D, E26187D, E33419D, E26120D, E32492D.
Identifiers: ClinVar variation 518882 (VCV000518882.14), dbSNP rs56308529, ClinGen allele CA349409323.

ClinVar aggregate classification (germline): Conflicting classifications of pathogenicity. Review status: criteria provided, conflicting classifications (1 of 4 stars). 4 submissions from 4 submitters: Uncertain significance (3); Likely benign (1). Last evaluated 2025-12-08.

Conditions:
Autosomal recessive limb-girdle muscular dystrophy type 2J (LGMDR10). Also called: Limb-girdle muscular dystrophy, type 2J; MUSCULAR DYSTROPHY, LIMB-GIRDLE, AUTOSOMAL RECESSIVE 10. Identifiers: Orphanet 140922, MedGen C1837342, MONDO:0012127, OMIM 608807.
Dilated cardiomyopathy 1G (CMD1G). Identifiers: Orphanet 154, MedGen C1858763, MONDO:0011400, OMIM 604145.
TTN-related disorder. Also called: TTN-related condition; TTN-related disease; TTN-related disorders.
Cardiovascular phenotype. Identifiers: MedGen CN230736.

gnomAD v4.1: 35 of 1,613,938 alleles (0.0022%); highest among the groups gnomAD compares: Non-Finnish European, 0.003%; no homozygotes.

Submissions (4):

Women's Health and Genetics/Laboratory Corporation of America, LabCorp
Classification: Uncertain significance. Last evaluated: 2025-12-08. Review status: criteria provided, single submitter. Criteria: LabCorp Variant Classification Summary - May 2015. Collection method: clinical testing. Allele origin: germline.
Comment: Variant summary: TTN c.97476G>T (p.Glu32492Asp) results in a conservative amino acid change located in the M-band region of the encoded protein sequence. Algorithms developed to predict the effect of missense changes on protein structure and function are either unavailable or do not agree on the potential impact of this missense change. The variant allele was found at a frequency of 2.2e-05 in 1606966 control chromosomes. This frequency is not significantly higher than estimated for disease-causing variants in TTN, allowing no conclusion about variant significance. c.97476G>T has been observed in an individual affected with Dilated Cardiomyopathy (DCM); however, no supportive evidence was provided for causality (Mazzarotto_2020). These report(s) do not provide unequivocal conclusions about association of the variant with Dilated Cardiomyopathy. To our knowledge, no experimental evidence demonstrating an impact on protein function has been reported. The following publication have been ascertained in the context of this evaluation (PMID: 31983221). ClinVar contains an entry for this variant (Variation ID: 518882). Based on the evidence outlined above, the variant was classified as uncertain significance.

Labcorp Genetics (formerly Invitae), Labcorp
Classification: Uncertain significance for Dilated cardiomyopathy 1G; Autosomal recessive limb-girdle muscular dystrophy type 2J. Last evaluated: 2025-05-29. Review status: criteria provided, single submitter. Criteria: Invitae Variant Classification Sherloc (09022015). Collection method: clinical testing. Allele origin: germline.
Comment: This sequence change replaces glutamic acid, which is acidic and polar, with aspartic acid, which is acidic and polar, at codon 35060 of the TTN protein (p.Glu35060Asp). This variant is present in population databases (no rsID available, gnomAD 0.0009%). This missense change has been observed in individual(s) with dilated cardiomyopathy (PMID: 31983221). ClinVar contains an entry for this variant (Variation ID: 518882). Experimental studies and prediction algorithms are not available or were not evaluated, and the functional significance of this variant is currently unknown. This variant is located in the M band of TTN (PMID: 25589632). Non-truncating variants in this region may be relevant for neuromuscular disorders, but have not been definitively shown to cause cardiomyopathy (PMID: 23975875). In summary, the available evidence is currently insufficient to determine the role of this variant in disease. Therefore, it has been classified as a Variant of Uncertain Significance.

PreventionGenetics, part of Exact Sciences
Classification: Uncertain significance for TTN-related condition. Last evaluated: 2025-05-12. Review status: criteria provided, single submitter. Criteria: ACMG Guidelines, 2015. Collection method: clinical testing. Allele origin: germline.
Comment: The TTN c.105180G>T variant is predicted to result in the amino acid substitution p.Glu35060Asp. This variant has been reported in an individual with dilated cardiomyopathy (Table S3, Mazzarotto et al. 2020. PubMed ID: 31983221). This variant is reported in 0.00089% of alleles in individuals of European (Non-Finnish) descent in gnomAD. At this time, the clinical significance of this variant is uncertain due to the absence of conclusive functional and genetic evidence.

Ambry Genetics
Classification: Likely benign for Cardiovascular phenotype. Last evaluated: 2015-09-18. Review status: criteria provided, single submitter. Criteria: Ambry Variant Classification Scheme 2023. Collection method: clinical testing. Allele origin: germline.

Literature cited by the submitters: PubMed 31983221 (cited by Women's Health and Genetics/Laboratory Corporation of America, LabCorp and Labcorp Genetics (formerly Invitae), Labcorp); PubMed 25589632 (cited by Labcorp Genetics (formerly Invitae), Labcorp); PubMed 23975875 (cited by Labcorp Genetics (formerly Invitae), Labcorp).